The following is an entry in ClinVar:

ClinVar aggregate classification (germline): Likely pathogenic. Review status: criteria provided, multiple submitters, no conflicts (2 of 4 stars). 2 submissions from 2 submitters: Likely pathogenic (2). Last evaluated 2026-04-23.

Conditions:
Acute myeloid leukemia (AML). Also called: Acute myeloid leukemia, adult; AML adult; Acute non-lymphocytic leukemia; Acute granulocytic leukemia; Leukemia, acute myeloid, somatic; Leukemia, acute myelogenous, somatic. Identifiers: Orphanet 519, MedGen C0023467, MeSH D015470, MONDO:0018874, OMIM 601626, HP:0004808. Disease mechanism: Constitutively activated FLT3.
Tatton-Brown-Rahman overgrowth syndrome. Also called: Tatton-Brown-Rahman syndrome; Tall stature-intellectual disability-facial dysmorphism syndrome. Identifiers: Orphanet 404443, MedGen C4014545, MONDO:0014382, OMIM 615879.

Submissions (2):

GeneDx
Classification: Likely pathogenic. Last evaluated: 2026-04-23. Review status: criteria provided, single submitter. Criteria: GeneDx Variant Classification Process June 2021. Collection method: clinical testing. Allele origin: germline.
Comment: In silico analysis supports that this missense variant has a deleterious effect on protein structure/function; In silico analysis suggests this variant may impact gene splicing. In the absence of RNA/functional studies, the actual effect of this sequence change is unknown.; Not observed at significant frequency in large population cohorts (gnomAD); This variant is associated with the following publications: (PMID: 39786421, 33536367, 35236052, 35904121, 32109418, 38937076, 35150601, 39041683)

Cytogénomique, Hospices Civils de Lyon
Classification: Likely pathogenic for Acute myeloid leukemia; Tatton-Brown-Rahman overgrowth syndrome. Last evaluated: 2017-11-07. Review status: criteria provided, single submitter. Criteria: ACMG Guidelines, 2015. Collection method: clinical testing. Allele origin: de novo. Inheritance: Autosomal dominant inheritance. Affected: yes.

NM_022552.5(DNMT3A):c.920C>T (p.Pro307Leu)

Gene: DNMT3A (DNA methyltransferase 3 alpha; minus strand). Cytogenetic location: 2p23.3.
Variant type: single nucleotide variant.
Coding change: c.920C>T on transcript NM_022552.5 (MANE Select); coding-DNA position 920, C replaced by T.
Protein change: p.Pro307Leu; replaces proline 307 with leucine.
Molecular consequence: missense variant. On other transcripts: non-coding transcript variant (1).
Genome position (GRCh38, 1-based): chr2:25,247,685, G>A on the plus strand (C>T on the coding strand, the complement: DNMT3A is on the minus strand). VCF-style: chr2-25247685-G-A. GRCh37 (hg19) VCF-style: chr2-25470554-G-A.
Other names: c.920C>T, p.Pro307Leu (NM_175629.2); c.464C>T, p.Pro155Leu (NM_001320893.1); c.251C>T, p.Pro84Leu (NM_001375819.1); c.353C>T, p.Pro118Leu (NM_153759.3); short protein forms P118L, P307L, P155L, P84L.
Identifiers: ClinVar variation 620043 (VCV000620043.2), dbSNP rs759380437, ClinGen allele CA1556244.